The following is an entry in ClinVar:

ClinVar aggregate classification (germline): Uncertain significance. Review status: criteria provided, multiple submitters, no conflicts (2 of 4 stars). 2 submissions from 2 submitters: Uncertain significance (2). Last evaluated 2025-10-06.

Submissions (2):

Labcorp Genetics (formerly Invitae), Labcorp
Classification: Uncertain significance. Last evaluated: 2025-10-06. Review status: criteria provided, single submitter. Criteria: Invitae Variant Classification Sherloc (09022015). Collection method: clinical testing. Allele origin: germline.
Comment: This sequence change replaces serine, which is neutral and polar, with arginine, which is basic and polar, at codon 529 of the UNC79 protein (p.Ser529Arg). This variant is not present in population databases (gnomAD no frequency). This variant has not been reported in the literature in individuals affected with UNC79-related conditions. ClinVar contains an entry for this variant (Variation ID: 4072675). Experimental studies and prediction algorithms are not available or were not evaluated, and the functional significance of this variant is currently unknown. In summary, the available evidence is currently insufficient to determine the role of this variant in disease. Therefore, it has been classified as a Variant of Uncertain Significance.

GeneDx
Classification: Uncertain significance. Last evaluated: 2025-01-29. Review status: criteria provided, single submitter. Criteria: GeneDx Variant Classification Process June 2021. Collection method: clinical testing. Allele origin: germline. Affected: yes.
Comment: Not observed at significant frequency in large population cohorts (gnomAD); In silico analysis supports that this missense variant has a deleterious effect on protein structure/function; Has not been previously published as pathogenic or benign to our knowledge

NM_001395159.1(UNC79):c.2118T>G (p.Ser706Arg)

Gene: UNC79 (unc-79 subunit of NALCN channel complex; plus strand). Cytogenetic location: 14q32.12.
Variant type: single nucleotide variant.
Coding change: c.2118T>G on transcript NM_001395159.1 (MANE Select); coding-DNA position 2118, T replaced by G.
Protein change: p.Ser706Arg; replaces serine 706 with arginine.
Molecular consequence: missense variant.
Genome position (GRCh38, 1-based): chr14:93,575,105, T>G. VCF-style: chr14-93575105-T-G. GRCh37 (hg19) VCF-style: chr14-94041451-T-G.
Other names: c.2118T>G, p.Ser706Arg (NM_001346218.2); c.1587T>G, p.Ser529Arg (NM_020818.5); short protein forms S529R, S706R.
Identifiers: ClinVar variation 4072675 (VCV004072675.2).